The following is an entry in ClinVar:

NM_001080517.3(SETD5):c.2601G>T (p.Gln867His)

Gene: SETD5 (SET domain containing 5; plus strand). Cytogenetic location: 3p25.3.
Variant type: single nucleotide variant.
Coding change: c.2601G>T on transcript NM_001080517.3 (MANE Select); coding-DNA position 2601, G replaced by T.
Protein change: p.Gln867His; replaces glutamine 867 with histidine.
Molecular consequence: missense variant.
Genome position (GRCh38, 1-based): chr3:9,464,549, G>T. VCF-style: chr3-9464549-G-T. GRCh37 (hg19) VCF-style: chr3-9506233-G-T.
Other names: c.2307G>T, p.Gln769His (NM_001292043.2, NM_001349451.2); short protein forms Q769H, Q867H.
Identifiers: ClinVar variation 871924 (VCV000871924.45), dbSNP rs371224058, ClinGen allele CA2239485.
Genomic context (GRCh38, chr3:9,464,549, plus strand): 5'-ACTTCGGCCTCTGTCTCCAGTCACACCACCCCCTCCCAATTCAGGCTCAAAGAGTCCCCA[G>T]CTGGCCACACCTGGCTCATCTCACCCAGGAGAAGAGGAGTGTCGAAATGGATACAGCCTC-3'
Protein context (NP_001073986.1, residues 857-877): PPPNSGSKSP[Gln867His]LATPGSSHPG

ClinVar aggregate classification (germline): Conflicting classifications of pathogenicity. Review status: criteria provided, conflicting classifications (1 of 4 stars). 3 submissions from 3 submitters: Uncertain significance (2); Likely benign (1). Last evaluated 2026-03-01.

Allele frequency attached by ClinVar (database versions not stated): gnomAD 0.00001 and 0.00004; gnomAD exomes 0.00003 and 0.00005; TOPMed 0.00003; ExAC 0.00004; ESP Exome Variant Server 0.00008.
gnomAD v4.1: 86 of 1,613,966 alleles (0.0053%); highest among the groups gnomAD compares: Middle Eastern, 0.76%; 4 homozygotes.

Submissions (3):

CeGaT Center for Human Genetics Tuebingen
Classification: Likely benign. Last evaluated: 2026-03-01. Review status: criteria provided, single submitter. Criteria: CeGaT Center For Human Genetics Tuebingen Variant Classification Criteria Version 2. Collection method: clinical testing. Allele origin: germline. Affected: yes. Observed: 3 variant alleles.
Comment: SETD5: BP4

Labcorp Genetics (formerly Invitae), Labcorp
Classification: Uncertain significance. Last evaluated: 2022-02-10. Review status: criteria provided, single submitter. Criteria: Invitae Variant Classification Sherloc (09022015). Collection method: clinical testing. Allele origin: germline.
Comment: This sequence change replaces glutamine, which is neutral and polar, with histidine, which is basic and polar, at codon 867 of the SETD5 protein (p.Gln867His). This variant is present in population databases (rs371224058, gnomAD 0.005%). This variant has not been reported in the literature in individuals affected with SETD5-related conditions. ClinVar contains an entry for this variant (Variation ID: 871924). Algorithms developed to predict the effect of missense changes on protein structure and function (SIFT, PolyPhen-2, Align-GVGD) all suggest that this variant is likely to be tolerated. In summary, the available evidence is currently insufficient to determine the role of this variant in disease. Therefore, it has been classified as a Variant of Uncertain Significance.

Breakthrough Genomics
Classification: Uncertain significance. Review status: criteria provided, single submitter. Criteria: ACMG Guidelines, 2015. Collection method: not provided. Allele origin: germline. Inheritance: Autosomal dominant inheritance. Affected: yes.